The following is an entry in ClinVar:

ClinVar aggregate classification (germline): Uncertain significance. Review status: criteria provided, multiple submitters, no conflicts (2 of 4 stars). 2 submissions from 2 submitters: Uncertain significance (2). Last evaluated 2025-02-12.

Conditions:
DICER1-related tumor predisposition. Also called: DICER1 syndrome; DICER1-related pleuropulmonary blastoma cancer predisposition syndrome. Identifiers: Orphanet 284343, MedGen C3839822, MONDO:0100216.
Hereditary cancer-predisposing syndrome. Also called: Neoplastic Syndromes, Hereditary; Tumor predisposition; Hereditary neoplastic syndrome; Hereditary Cancer Syndrome. Identifiers: Orphanet 140162, MedGen C0027672, MeSH D009386, MONDO:0015356.

Allele frequency attached by ClinVar (database versions not stated): gnomAD exomes 0.00001.
gnomAD v4.1: 5 of 1,614,072 alleles (0.00031%); highest among the groups gnomAD compares: South Asian, 0.0055%; no homozygotes.

Submissions (2):

Ambry Genetics
Classification: Uncertain significance for Hereditary cancer-predisposing syndrome. Last evaluated: 2025-02-12. Review status: criteria provided, single submitter. Criteria: Ambry Variant Classification Scheme 2023. Collection method: clinical testing. Allele origin: germline.
Comment: The p.M24T variant (also known as c.71T>C), located in coding exon 1 of the DICER1 gene, results from a T to C substitution at nucleotide position 71. The methionine at codon 24 is replaced by threonine, an amino acid with similar properties. This amino acid position is highly conserved in available vertebrate species. In addition, this alteration is predicted to be deleterious by in silico analysis. Based on the available evidence, the clinical significance of this variant remains unclear.

Labcorp Genetics (formerly Invitae), Labcorp
Classification: Uncertain significance for DICER1-related tumor predisposition. Last evaluated: 2024-05-14. Review status: criteria provided, single submitter. Criteria: Invitae Variant Classification Sherloc (09022015). Collection method: clinical testing. Allele origin: germline.
Comment: This sequence change replaces methionine, which is neutral and non-polar, with threonine, which is neutral and polar, at codon 24 of the DICER1 protein (p.Met24Thr). This variant is present in population databases (no rsID available, gnomAD 0.007%). This variant has not been reported in the literature in individuals affected with DICER1-related conditions. ClinVar contains an entry for this variant (Variation ID: 1757661). An algorithm developed to predict the effect of missense changes on protein structure and function (PolyPhen-2) suggests that this variant is likely to be disruptive. In summary, the available evidence is currently insufficient to determine the role of this variant in disease. Therefore, it has been classified as a Variant of Uncertain Significance.

NM_177438.3(DICER1):c.71T>C (p.Met24Thr)

Gene: DICER1 (dicer 1, ribonuclease III; minus strand). Cytogenetic location: 14q32.13.
Variant type: single nucleotide variant.
Coding change: c.71T>C on transcript NM_177438.3 (MANE Select); coding-DNA position 71, T replaced by C.
Protein change: p.Met24Thr; replaces methionine 24 with threonine.
Molecular consequence: missense variant. On other transcripts: 5 prime UTR variant (8), non-coding transcript variant (6), intron variant (1).
Genome position (GRCh38, 1-based): chr14:95,133,388, A>G on the plus strand (T>C on the coding strand, the complement: DICER1 is on the minus strand). VCF-style: chr14-95133388-A-G. GRCh37 (hg19) VCF-style: chr14-95599725-A-G.
Other names: c.71T>C, p.Met24Thr (NM_001195573.1, NM_001271282.3, NM_001291628.2 and 15 more transcripts); c.-204T>C (NM_001395686.1, NM_001395688.1, NM_001395689.1 and 3 more transcripts); c.-388T>C (NM_001395691.1); c.-1498T>C (NM_001395697.1); c.-130-711T>C (NM_001395687.1); short protein forms M24T.
Identifiers: ClinVar variation 1757661 (VCV001757661.8), dbSNP rs1349780844, ClinGen allele CA390890576.